The following is an entry in ClinVar:

ClinVar aggregate classification (germline): Uncertain significance. Review status: criteria provided, multiple submitters, no conflicts (2 of 4 stars). 4 submissions from 4 submitters: Uncertain significance (4). Last evaluated 2026-02-25.

Conditions:
Aortic aneurysm, familial thoracic 4 (AAT4). Also called: AORTIC ANEURYSM/AORTIC DISSECTION AND PATENT DUCTUS ARTERIOSUS. Identifiers: MedGen C1851504, MONDO:0007568, OMIM 132900.
Familial thoracic aortic aneurysm and aortic dissection (TAAD). Also called: Thoracic aortic aneurysms and dissections. Identifiers: Orphanet 91387, MedGen C4707243, MONDO:0019625.

Allele frequency attached by ClinVar (database versions not stated): gnomAD 0.00002; ExAC 0.00002; TOPMed 0.00002; gnomAD exomes 0.00002.
gnomAD v4.1: 34 of 1,613,940 alleles (0.0021%); highest among the groups gnomAD compares: South Asian, 0.0033%; no homozygotes.

Submissions (4):

GeneDx
Classification: Uncertain significance. Last evaluated: 2026-02-25. Review status: criteria provided, single submitter. Criteria: GeneDx Variant Classification Process June 2021. Collection method: clinical testing. Allele origin: germline.
Comment: Has not been previously published as pathogenic or benign to our knowledge; Not observed at significant frequency in large population cohorts (gnomAD); In silico analysis supports that this missense variant has a deleterious effect on protein structure/function

Color Diagnostics, LLC DBA Color Health
Classification: Uncertain significance for Familial thoracic aortic aneurysm and aortic dissection. Last evaluated: 2024-08-20. Review status: criteria provided, single submitter. Criteria: ACMG Guidelines, 2015. Collection method: clinical testing. Allele origin: germline.
Comment: This missense variant replaces glutamic acid with lysine at codon 1927 of the MYH11 protein. Computational prediction tools indicate that this variant has a deleterious impact on protein structure and function. To our knowledge, functional studies have not been reported for this variant. This variant has not been reported in individuals affected with MYH11-related disorders in the literature. This variant has been identified in 4/250562 chromosomes in the general population by the Genome Aggregation Database (gnomAD). The available evidence is insufficient to determine the role of this variant in disease conclusively. Therefore, this variant is classified as a Variant of Uncertain Significance.

Labcorp Genetics (formerly Invitae), Labcorp
Classification: Uncertain significance for Aortic aneurysm, familial thoracic 4. Last evaluated: 2024-08-12. Review status: criteria provided, single submitter. Criteria: Invitae Variant Classification Sherloc (09022015). Collection method: clinical testing. Allele origin: germline.
Comment: This sequence change replaces glutamic acid, which is acidic and polar, with lysine, which is basic and polar, at codon 1927 of the MYH11 protein (p.Glu1927Lys). This variant is present in population databases (rs757099566, gnomAD 0.003%). This variant has not been reported in the literature in individuals affected with MYH11-related conditions. ClinVar contains an entry for this variant (Variation ID: 924178). Advanced modeling of protein sequence and biophysical properties (such as structural, functional, and spatial information, amino acid conservation, physicochemical variation, residue mobility, and thermodynamic stability) performed at Invitae indicates that this missense variant is not expected to disrupt MYH11 protein function with a negative predictive value of 95%. In summary, the available evidence is currently insufficient to determine the role of this variant in disease. Therefore, it has been classified as a Variant of Uncertain Significance.

All of Us Research Program, National Institutes of Health
Classification: Uncertain significance for Familial thoracic aortic aneurysm and aortic dissection. Last evaluated: 2023-08-08. Review status: criteria provided, single submitter. Criteria: ACMG Guidelines, 2015. Collection method: clinical testing. Allele origin: germline. Inheritance: Autosomal dominant inheritance. Observed: 2 variant alleles, 2 heterozygotes.
Comment: This missense variant replaces glutamic acid with lysine at codon 1927 of the MYH11 protein. Computational prediction tools and conservation analyses suggest that this variant may have deleterious impact on the protein function. Computational splicing tools suggest that this variant may not impact RNA splicing. To our knowledge, functional assays have not been performed for this variant nor has this variant been reported in individuals affected with cardiovascular disorders in the literature. This variant has been identified in 4/250562 chromosomes in the general population by the Genome Aggregation Database (gnomAD). Available evidence is insufficient to determine the role of this variant in disease conclusively. Therefore, this variant is classified as a Variant of Uncertain Significance.

This study involves interpretation of variants in research participants for the purpose of population health screening. Participant phenotype was not available at the time of variant classification. Additional details can be found in publication PMID: 35346344, PMCID: PMC8962531

NM_002474.3(MYH11):c.5758G>A (p.Glu1920Lys)

Genes: MYH11 (myosin heavy chain 11; minus strand), NDE1 (nudE neurodevelopment protein 1; plus strand). Cytogenetic location: 16p13.11.
Variant type: single nucleotide variant.
Coding change: c.5758G>A on transcript NM_002474.3 (MANE Select); coding-DNA position 5758, G replaced by A.
Protein change: p.Glu1920Lys; replaces glutamic acid 1920 with lysine.
Molecular consequence: missense variant. On other transcripts: intron variant (2).
Genome position (GRCh38, 1-based): chr16:15,714,937, C>T on the plus strand (G>A on the coding strand, the complement: MYH11 is on the minus strand). VCF-style: chr16-15714937-C-T. GRCh37 (hg19) VCF-style: chr16-15808794-C-T.
Other names: c.5779G>A, p.Glu1927Lys (NM_001040113.2, NM_001040114.2); c.5758G>A, p.Glu1920Lys (NM_022844.3); c.948-9254C>T (NM_001143979.2, NM_017668.3); short protein forms E1920K, E1927K.
Identifiers: ClinVar variation 924178 (VCV000924178.9), dbSNP rs757099566, ClinGen allele CA7921149.